The following is an entry in ClinVar:

ClinVar aggregate classification (germline): Benign (1 of 4 stars; one submission).

Allele frequency attached by ClinVar (database versions not stated): gnomAD exomes 0.00300; 1000 Genomes Project 0.02117; 1000 Genomes Project 30x 0.02264; gnomAD 0.02553 and 0.02760; TOPMed 0.03003.
gnomAD v4.1: 7,427 of 1,272,960 alleles (0.58%); highest among the groups gnomAD compares: African/African-American, 8.9%; 287 homozygotes.

Submission:

GeneDx
Classification: Benign. Last evaluated: 2018-06-13. Review status: criteria provided, single submitter. Criteria: GeneDx Variant Classification (06012015). Collection method: clinical testing. Allele origin: germline. Affected: yes.
Comment: This variant is considered likely benign or benign based on one or more of the following criteria: it is a conservative change, it occurs at a poorly conserved position in the protein, it is predicted to be benign by multiple in silico algorithms, and/or has population frequency not consistent with disease.

NM_014722.5(RIPOR2):c.2408-93A>G

Gene: RIPOR2 (RHO family interacting cell polarization regulator 2; minus strand). Cytogenetic location: 6p22.3.
Variant type: single nucleotide variant.
Coding change: c.2408-93A>G on transcript NM_014722.5; 93 bases into the intron before coding-DNA position 2408, A replaced by G.
Genome position (GRCh38, 1-based): chr6:24,830,763, T>C on the plus strand (A>G on the coding strand, the complement: RIPOR2 is on the minus strand). VCF-style: chr6-24830763-T-C. GRCh37 (hg19) VCF-style: chr6-24830991-T-C.
Other names: c.2345-93A>G (NM_001286445.3); c.2258-93A>G (NM_001346031.2, NM_001346032.2).
Identifiers: ClinVar variation 683265 (VCV000683265.2), dbSNP rs9467328, ClinGen allele CA136170223.